The following is an entry in ClinVar:

NM_080473.5(GATA5):c.472C>T (p.Pro158Ser)

Gene: GATA5 (GATA binding protein 5; minus strand). Cytogenetic location: 20q13.33.
Variant type: single nucleotide variant.
Coding change: c.472C>T on transcript NM_080473.5 (MANE Select); coding-DNA position 472, C replaced by T.
Protein change: p.Pro158Ser; replaces proline 158 with serine.
Molecular consequence: missense variant.
Genome position (GRCh38, 1-based): chr20:62,475,050, G>A on the plus strand (C>T on the coding strand, the complement: GATA5 is on the minus strand). VCF-style: chr20-62475050-G-A. GRCh37 (hg19) VCF-style: chr20-61050106-G-A.
Other names: short protein forms P158S.
Identifiers: ClinVar variation 1368664 (VCV001368664.11), dbSNP rs782221467, ClinGen allele CA9946311.

ClinVar aggregate classification (germline): Conflicting classifications of pathogenicity. Review status: criteria provided, conflicting classifications (1 of 4 stars). 3 submissions from 3 submitters: Uncertain significance (2); Likely benign (1). Last evaluated 2025-11-24.

Allele frequency attached by ClinVar (database versions not stated): gnomAD exomes 0.00002; TOPMed 0.00003; gnomAD 0.00005.
gnomAD v4.1: 234 of 1,412,696 alleles (0.017%); highest among the groups gnomAD compares: Non-Finnish European, 0.021%; no homozygotes.

Submissions (3):

Labcorp Genetics (formerly Invitae), Labcorp
Classification: Uncertain significance. Last evaluated: 2025-11-24. Review status: criteria provided, single submitter. Criteria: Invitae Variant Classification Sherloc (09022015). Collection method: clinical testing. Allele origin: germline.
Comment: This sequence change replaces proline, which is neutral and non-polar, with serine, which is neutral and polar, at codon 158 of the GATA5 protein (p.Pro158Ser). This variant is present in population databases (rs782221467, gnomAD 0.01%). This variant has not been reported in the literature in individuals affected with GATA5-related conditions. ClinVar contains an entry for this variant (Variation ID: 1368664). Invitae Evidence Modeling of protein sequence and biophysical properties (such as structural, functional, and spatial information, amino acid conservation, physicochemical variation, residue mobility, and thermodynamic stability) indicates that this missense variant is not expected to disrupt GATA5 protein function with a negative predictive value of 80%. In summary, the available evidence is currently insufficient to determine the role of this variant in disease. Therefore, it has been classified as a Variant of Uncertain Significance.

GeneDx
Classification: Uncertain significance. Last evaluated: 2025-04-22. Review status: criteria provided, single submitter. Criteria: GeneDx Variant Classification Process June 2021. Collection method: clinical testing. Allele origin: germline. Affected: yes.
Comment: In silico analysis supports that this missense variant has a deleterious effect on protein structure/function; Has not been previously published as pathogenic or benign to our knowledge

Blueprint Genetics
Classification: Likely benign. Last evaluated: 2024-08-30. Review status: criteria provided, single submitter. Criteria: ACMG Guidelines, 2015. Collection method: clinical testing. Allele origin: germline.